The following is an entry in ClinVar:

ClinVar aggregate classification (germline): Benign (1 of 4 stars; one submission).

Conditions:
Familial adenomatous polyposis 1 (FAP1). Also called: POLYPOSIS, ADENOMATOUS INTESTINAL; FAMILIAL ADENOMATOUS POLYPOSIS 1, ATTENUATED. Identifiers: MedGen C2713442, MONDO:0021056, OMIM 175100. Disease mechanism: loss of function.

Submission:

Myriad Genetics, Inc.
Classification: Benign for Familial adenomatous polyposis 1. Last evaluated: 2024-04-10. Review status: criteria provided, single submitter. Criteria: Myriad Autosomal Dominant, Autosomal Recessive and X-Linked Classification Criteria (2023). Collection method: clinical testing. Allele origin: unknown.
Comment: This variant is considered benign. This variant is a silent/synonymous amino acid change and it is not expected to impact splicing.

NM_000038.6(APC):c.7620A>G (p.Pro2540=)

Gene: APC (APC regulator of Wnt signaling pathway; plus strand). Cytogenetic location: 5q22.2.
Variant type: single nucleotide variant.
Coding change: c.7620A>G on transcript NM_000038.6 (MANE Select); coding-DNA position 7620, A replaced by G.
Protein change: p.Pro2540=; no amino-acid change (proline 2540 retained).
Molecular consequence: synonymous variant. On other transcripts: non-coding transcript variant (2).
Genome position (GRCh38, 1-based): chr5:112,843,214, A>G. VCF-style: chr5-112843214-A-G. GRCh37 (hg19) VCF-style: chr5-112178911-A-G.
Other names: c.7620A>G, p.Pro2540= (NM_001127510.3, NM_001354895.2, NM_001407450.1); c.7566A>G, p.Pro2522= (NM_001127511.3); c.7674A>G, p.Pro2558= (NM_001354896.2, NM_001407447.1, NM_001407448.1 and 1 more transcripts); c.7650A>G, p.Pro2550= (NM_001354897.2); c.7545A>G, p.Pro2515= (NM_001354898.2); c.7536A>G, p.Pro2512= (NM_001354899.2); c.7497A>G, p.Pro2499= (NM_001354900.2); c.7443A>G, p.Pro2481= (NM_001354901.2, NM_001407453.1); and 11 more.
Identifiers: ClinVar variation 3253868 (VCV003253868.1), dbSNP rs2149990704.